The following is an entry in ClinVar:

ClinVar aggregate classification (germline): Uncertain significance (1 of 4 stars; one submission).

gnomAD v4.1: 1 of 1,614,086 alleles (0.000062%); highest among the groups gnomAD compares: Non-Finnish European, 0.000085%; no homozygotes.

Submission:

Ambry Genetics
Classification: Uncertain significance. Last evaluated: 2025-05-02. Review status: criteria provided, single submitter. Criteria: Ambry Variant Classification Scheme 2023. Collection method: clinical testing. Allele origin: germline.
Comment: The p.N250S variant (also known as c.749A>G), located in coding exon 1 of the TET2 gene, results from an A to G substitution at nucleotide position 749. The asparagine at codon 250 is replaced by serine, an amino acid with highly similar properties. This amino acid position is conserved. In addition, this alteration is predicted to be tolerated by in silico analysis. Based on the available evidence, the clinical significance of this variant remains unclear.

NM_001127208.3(TET2):c.749A>G (p.Asn250Ser)

Genes: TET2 (tet methylcytosine dioxygenase 2; plus strand), TET2-AS1 (TET2 antisense RNA 1; minus strand). Cytogenetic location: 4q24.
Variant type: single nucleotide variant.
Coding change: c.749A>G on transcript NM_001127208.3 (MANE Select); coding-DNA position 749, A replaced by G.
Protein change: p.Asn250Ser; replaces asparagine 250 with serine.
Molecular consequence: missense variant.
Genome position (GRCh38, 1-based): chr4:105,234,691, A>G. VCF-style: chr4-105234691-A-G. GRCh37 (hg19) VCF-style: chr4-106155848-A-G.
Other names: c.749A>G, p.Asn250Ser (NM_017628.4); short protein forms N250S.
Identifiers: ClinVar variation 3967603 (VCV003967603.1).